The following is an entry in ClinVar:

ClinVar aggregate classification (germline): Uncertain significance (1 of 4 stars; one submission).

Conditions:
Inborn genetic diseases. Identifiers: MedGen C0950123, MeSH D030342.

gnomAD v4.1: 1 of 1,613,318 alleles (0.000062%); highest among the groups gnomAD compares: Middle Eastern, 0.017%; no homozygotes.

Submission:

Ambry Genetics
Classification: Uncertain significance for Inborn genetic diseases. Last evaluated: 2026-09-13. Review status: criteria provided, single submitter. Criteria: Ambry Variant Classification Scheme 2023. Collection method: clinical testing. Allele origin: germline.
Comment: The p.G457A variant (also known as c.1370G>C), located in coding exon 15 of the FANCA gene, results from a G to C substitution at nucleotide position 1370. The glycine at codon 457 is replaced by alanine, an amino acid with similar properties. This amino acid position is conserved. In addition, this alteration is predicted to be deleterious by in silico analysis. Based on the available evidence, the clinical significance of this variant remains unclear.

NM_000135.4(FANCA):c.1370G>C (p.Gly457Ala)

Gene: FANCA (FA complementation group A; minus strand). Cytogenetic location: 16q24.3.
Variant type: single nucleotide variant.
Coding change: c.1370G>C on transcript NM_000135.4 (MANE Select); coding-DNA position 1370, G replaced by C.
Protein change: p.Gly457Ala; replaces glycine 457 with alanine.
Molecular consequence: missense variant.
Genome position (GRCh38, 1-based): chr16:89,784,954, C>G on the plus strand (G>C on the coding strand, the complement: FANCA is on the minus strand). VCF-style: chr16-89784954-C-G. GRCh37 (hg19) VCF-style: chr16-89851362-C-G.
Other names: c.1370G>C, p.Gly457Ala (NM_001286167.3); short protein forms G457A.
Identifiers: ClinVar variation 5036457 (VCV005036457.1).
Genomic context (GRCh38, chr16:89,784,954, plus strand): 5'-AAGAACGTAAACAGGAAGACCAGGGCCTTCTTGCTGCAGCCATGGTAGCCTCGTGTGCTC[C>G]CAAAGGAGGCCTGTGTGGAGAGAAGAGCGTGAAGCCCAGGACAGCCAGGCGCGGCTGCAC-3'
Protein context (NP_000126.2, residues 447-467): SYADWFKASF[Gly457Ala]STRGYHGCSK